The following is an entry in ClinVar:

NM_153634.3(CPNE8):c.187-9_187-6del

Gene: CPNE8 (copine 8; minus strand). Cytogenetic location: 12q12.
Variant type: Deletion.
Coding change: c.187-9_187-6del on transcript NM_153634.3 (MANE Select); 9 bases into the intron before coding-DNA position 187 through 6 bases into the intron before coding-DNA position 187, 4 bases deleted (TTTC; older notation c.187-9_187-6delTTTC).
Molecular consequence: intron variant.
Genome position (GRCh38, 1-based): chr12:38,848,668-38,848,671, GAAA deleted on the plus strand (TTTC on the coding strand, the reverse complement: CPNE8 is on the minus strand); deleting any 4 consecutive bases within chr12:38,848,668-38,848,673 gives the same sequence; the c. name uses the placement nearest the transcript's 3' end. VCF-style (leftmost placement, unchanged base first): chr12-38848667-GGAAA-G. GRCh37 (hg19) VCF-style: chr12-39242469-GGAAA-G.
Identifiers: ClinVar variation 2642846 (VCV002642846.24), dbSNP rs571596831, ClinGen allele CA6509946.

ClinVar aggregate classification (germline): Likely benign (1 of 4 stars; one submission).

Submission:

CeGaT Center for Human Genetics Tuebingen
Classification: Likely benign. Last evaluated: 2022-12-01. Review status: criteria provided, single submitter. Criteria: CeGaT Center For Human Genetics Tuebingen Variant Classification Criteria Version 2. Collection method: clinical testing. Allele origin: germline. Affected: yes. Observed: 1 variant allele.
Comment: CPNE8: BP4, BS2